The following is an entry in ClinVar:

ClinVar aggregate classification (germline): Uncertain significance. Review status: criteria provided, multiple submitters, no conflicts (2 of 4 stars). 2 submissions from 2 submitters: Uncertain significance (2). Last evaluated 2025-10-29.

Conditions:
Inborn genetic diseases. Identifiers: MedGen C0950123, MeSH D030342.

gnomAD v4.1: 6 of 1,614,006 alleles (0.00037%); highest among the groups gnomAD compares: Non-Finnish European, 0.00051%; no homozygotes.

Submissions (2):

Labcorp Genetics (formerly Invitae), Labcorp
Classification: Uncertain significance. Last evaluated: 2025-10-29. Review status: criteria provided, single submitter. Criteria: Invitae Variant Classification Sherloc (09022015). Collection method: clinical testing. Allele origin: germline.
Comment: This sequence change replaces glutamic acid, which is acidic and polar, with glycine, which is neutral and non-polar, at codon 314 of the MBD4 protein (p.Glu314Gly). This variant is not present in population databases (gnomAD no frequency). This variant has not been reported in the literature in individuals affected with MBD4-related conditions. ClinVar contains an entry for this variant (Variation ID: 2320951). An algorithm developed to predict the effect of missense changes on protein structure and function (PolyPhen-2) suggests that this variant is likely to be tolerated. In summary, the available evidence is currently insufficient to determine the role of this variant in disease. Therefore, it has been classified as a Variant of Uncertain Significance.

Ambry Genetics
Classification: Uncertain significance for Inborn genetic diseases. Last evaluated: 2022-10-27. Review status: criteria provided, single submitter. Criteria: Ambry Variant Classification Scheme 2023. Collection method: clinical testing. Allele origin: germline.

NM_001276270.2(MBD4):c.941A>G (p.Glu314Gly)

Gene: MBD4 (methyl-CpG binding domain 4, DNA glycosylase; minus strand). Cytogenetic location: 3q21.3.
Variant type: single nucleotide variant.
Coding change: c.941A>G on transcript NM_001276270.2 (MANE Select); coding-DNA position 941, A replaced by G.
Protein change: p.Glu314Gly; replaces glutamic acid 314 with glycine.
Molecular consequence: missense variant. On other transcripts: intron variant (1).
Genome position (GRCh38, 1-based): chr3:129,436,703, T>C on the plus strand (A>G on the coding strand, the complement: MBD4 is on the minus strand). VCF-style: chr3-129436703-T-C. GRCh37 (hg19) VCF-style: chr3-129155546-T-C.
Other names: c.941A>G, p.Glu314Gly (NM_001276271.2, NM_001276272.2, NM_003925.3); c.247+1105A>G (NM_001276273.2); short protein forms E314G.
Identifiers: ClinVar variation 2320951 (VCV002320951.5), dbSNP rs2530719251, ClinGen allele CA354466910.